The following is an entry in ClinVar:

NM_003579.4(RAD54L):c.187C>G (p.Pro63Ala)

Gene: RAD54L (RAD54 like; plus strand). Cytogenetic location: 1p34.1.
Variant type: single nucleotide variant.
Coding change: c.187C>G on transcript NM_003579.4 (MANE Select); coding-DNA position 187, C replaced by G.
Protein change: p.Pro63Ala; replaces proline 63 with alanine.
Molecular consequence: missense variant. On other transcripts: 5 prime UTR variant (1).
Genome position (GRCh38, 1-based): chr1:46,250,096, C>G. VCF-style: chr1-46250096-C-G. GRCh37 (hg19) VCF-style: chr1-46715768-C-G.
Other names: c.187C>G, p.Pro63Ala (NM_001142548.2); c.-354C>G (NM_001370766.1); short protein forms P63A.
Identifiers: ClinVar variation 3312474 (VCV003312474.1).

ClinVar aggregate classification (germline): Uncertain significance (1 of 4 stars; one submission).

Submission:

Ambry Genetics
Classification: Uncertain significance. Last evaluated: 2024-05-18. Review status: criteria provided, single submitter. Criteria: Ambry Variant Classification Scheme 2023. Collection method: clinical testing. Allele origin: germline.
Comment: The p.P63A variant (also known as c.187C>G), located in coding exon 3 of the RAD54L gene, results from a C to G substitution at nucleotide position 187. The proline at codon 63 is replaced by alanine, an amino acid with highly similar properties. This amino acid position is conserved. In addition, this alteration is predicted to be tolerated by in silico analysis. Based on the available evidence, the clinical significance of this variant remains unclear.